The following is an entry in ClinVar:

ClinVar aggregate classification (germline): Pathogenic. Review status: reviewed by expert panel (3 of 4 stars). 9 submissions from 8 submitters: Pathogenic (1). 8 of the submissions do not count toward it. Last evaluated 2024-06-11.

Conditions:
Familial cancer of breast. Also called: hereditary breast carcinoma; Hereditary breast cancer; BREAST CANCER, FAMILIAL. Identifiers: Orphanet 227535, MedGen C0346153, MONDO:0016419, OMIM 114480. Disease mechanism: loss of function.
Breast-ovarian cancer, familial, susceptibility to, 1 (BROVCA1). Also called: OVARIAN CANCER, SUSCEPTIBILITY TO; BRCA1 Hereditary Breast and Ovarian Cancer. Identifiers: Orphanet 145, MedGen C2676676, MONDO:0011450, OMIM 604370. Disease mechanism: loss of function.
Fanconi anemia, complementation group S (FANCS). Identifiers: MedGen C4554406, MONDO:0054748, OMIM 617883.
Inherited ovarian cancer (without breast cancer).
Inherited breast cancer and ovarian cancer.
BRCA1-related cancer predisposition. Identifiers: MedGen CN377757, MONDO:0700268.
Hereditary cancer-predisposing syndrome. Also called: Neoplastic Syndromes, Hereditary; Hereditary neoplastic syndrome; Tumor predisposition; Hereditary Cancer Syndrome. Identifiers: Orphanet 140162, MedGen C0027672, MeSH D009386, MONDO:0015356.
Hereditary breast ovarian cancer syndrome. Also called: BRCA1- and BRCA2-Associated Hereditary Breast and Ovarian Cancer; Hereditary breast and/or ovarian cancer syndrome; Hereditary breast and ovarian cancer syndrome (HBOC); Hereditary breast and ovarian cancer syndrome; Hereditary breast and ovarian cancer; Breast and ovarian cancer. Identifiers: Orphanet 145, MedGen C0677776, MeSH D061325, MONDO:0003582. Disease mechanism: loss of function.

Submissions (9):

ClinGen ENIGMA BRCA1 and BRCA2 Variant Curation Expert Panel, ClinGen
Classification: Pathogenic for BRCA1-related cancer predisposition. Last evaluated: 2024-06-11. Review status: reviewed by expert panel. Criteria: CSpec BRCA1/2ACMG Rules Specifications V1.0. Collection method: curation. Allele origin: germline. Inheritance: Autosomal dominant inheritance.
Comment: The c.442-22_442-13del variant is an intronic variant occurring in intron 6 of the BRCA1 gene. This deletion variant was not observed in gnomAD v2.1 (exomes only, non-cancer subset) or gnomAD v3.1 (non-cancer subset), but PM2_Supporting was not applied since recall is suboptimal for this type of variant (PM2_Supporting not met). This variant is reported to result in aberrant mRNA splicing. RT-PCR and qPCR assays demonstrated that the variant impacts splicing by activation of a cryptic acceptor site, resulting in a 59nt intron retention of intron 6. Combination of non-allele specific assay results (PMIDs: 10323242, 32745242) and assessment of full-length transcript quantification by real-time PCR in carriers (personal communication) suggests a near complete splicing effect. Appropriate code strength determined by comparison of results to PVS1 decision tree and assessment of mRNA splicing data (PVS1_Strong (RNA) met). Cosegregation analysis of family(ies) carrying this variant provided evidence towards pathogenicity, and has a Bayes Score of 48.83, within the thresholds for strong pathogenic evidence (LR >18.7 & <=350) (PP1_Strong met; PMID: 32745242, Internal lab contributors). Multifactorial likelihood ratio analysis using clinically calibrated data produced a combined LR for this variant of 4.83 (based on Pathology LR=4.83), within the thresholds for Moderate evidence towards pathogenicity (LR >4.3 & <=18.7) (PP4_Moderate met; 32745242, Internal lab contributors). In summary, this variant meets the criteria to be classified as a Pathogenic variant for BRCA1-related cancer predisposition based on the ACMG/AMP criteria applied as specified by the ENIGMA BRCA1/2 VCEP (PVS1_Strong (RNA), PP1_Strong, PP4_Moderate).

Genetics Laboratory, Great Ormond Street Hospital NHS Foundation Trust, North Thames Genomic Laboratory Hub
Classification: Likely pathogenic for Inherited ovarian cancer (without breast cancer). Last evaluated: 2026-08-27. Review status: criteria provided, single submitter. Criteria: CanVIG BRCA Gene Specific V1.22. Collection method: clinical testing. Allele origin: germline. Affected: yes. Not counted in ClinVar's aggregate classification.
Comment: PS4_strong, PM2_moderate, PS3_moderate

Genetics Laboratory, Great Ormond Street Hospital NHS Foundation Trust, North Thames Genomic Laboratory Hub
Classification: Likely pathogenic for Inherited breast cancer and ovarian cancer. Last evaluated: 2026-08-27. Review status: criteria provided, single submitter. Criteria: CanVIG BRCA Gene Specific V1.22. Collection method: clinical testing. Allele origin: germline. Affected: yes. Not counted in ClinVar's aggregate classification.
Comment: the same text as in the submission from Genetics Laboratory, Great Ormond Street Hospital NHS Foundation Trust, North Thames Genomic Laboratory Hub above.

Labcorp Genetics (formerly Invitae), Labcorp
Classification: Pathogenic for Hereditary breast ovarian cancer syndrome. Last evaluated: 2026-01-16. Review status: criteria provided, single submitter. Criteria: Invitae Variant Classification Sherloc (09022015). Collection method: clinical testing. Allele origin: germline. Not counted in ClinVar's aggregate classification.
Comment: This sequence change falls in intron 6 of the BRCA1 gene. It does not directly change the encoded amino acid sequence of the BRCA1 protein. RNA analysis indicates that this variant induces altered splicing and may result in an absent or altered protein product. This variant is not present in population databases (gnomAD no frequency). This variant has been observed in individual(s) with breast and/or ovarian cancer (PMID: 10323242, 18006916, 26221963, 26824983; internal data). It is commonly reported in individuals of Asian ancestry (PMID: 10323242, 18006916, 26221963, 26824983; internal data). This variant is also known as IVS7-15del10, IVS7-22del10, and g.41251910_41251919 delGTAAAGAACA. ClinVar contains an entry for this variant (Variation ID: 246362). Studies have shown that this variant results in insertion of 59 bp in intron 7, and produces a non-functional protein and/or introduces a premature termination codon (PMID: 10323242, 18006916). For these reasons, this variant has been classified as Pathogenic.

Ambry Genetics
Classification: Pathogenic for Hereditary cancer-predisposing syndrome. Last evaluated: 2024-12-20. Review status: criteria provided, single submitter. Criteria: Ambry Variant Classification Scheme 2023. Collection method: clinical testing. Allele origin: germline. Not counted in ClinVar's aggregate classification.
Comment: The c.442-22_442-13del10 intronic pathogenic mutation, located in intron 5 of the BRCA1 gene, results from a deletion of 10 nucleotides within intron 5 of the BRCA1 gene. This alteration is identified in numerous individuals with a clinical history of breast and/or ovarian cancer and it segregates with disease in multiple families (Lin PH et al. Oncotarget, 2016 Feb;7:8310-20; Wong ES et al. PLoS One, 2015 Jul;10:e0134408; Ang P et al. Cancer Epidemiol Biomarkers Prev, 2007 Nov;16:2276-84; Li SS et al. Hum Genet, 1999 Mar;104:201-4). This nucleotide position is not well conserved in available vertebrate species. In silico splice site analysis predicts that this alteration may result in the creation or strengthening of a novel splice acceptor site. This alteration leads to the use of a cryptic acceptor site within intron 5 leading to a partial inclusion of this intron and a protein with a premature termination codon (Ambry internal data; Li SS et al. Hum Genet, 1999 Mar;104:201-4; Ang P et al. Cancer Epidemiol Biomarkers Prev, 2007 Nov;16:2276-84). Based on the supporting evidence, this alteration is interpreted as a disease-causing mutation.

Color Diagnostics, LLC DBA Color Health
Classification: Pathogenic for Hereditary cancer-predisposing syndrome. Last evaluated: 2023-09-11. Review status: criteria provided, single submitter. Criteria: ACMG Guidelines, 2015. Collection method: clinical testing. Allele origin: germline. Not counted in ClinVar's aggregate classification.
Comment: This variant causes a 10 nucleotide deletion near the splice acceptor site in intron 6 of the BRCA1 gene. Splice site prediction tools predict that this variant may have a significant impact on RNA splicing. RNA studies on carrier-derived RNA has shown an out-of-frame splicing associated with variant (PMID: 10323242, 18006916, 32745242). Moreover, cellular characterization on ex vivo cells derived from carriers showed sensitivity to PARP inhibitor and other cellular features consistent with compromised BRCA1 function in the normal cellular response to DNA damage and DNA replication blockage (32745242). This variant has been reported in over 10 individuals affected with breast and/or ovarian cancer (PMID: 10323242, 18006916, 26824983, 32745242, 34503154), and a haplotype analysis suggests that this variant may be founder mutation among Han Chinese (PMID: 32745242). This variant also has been reported to segregate with breast and ovarian cancers in at least five carrier families (PMID: 10323242, 32745242). This variant has not been identified in the general population by the Genome Aggregation Database (gnomAD). Loss of BRCA1 function is a known mechanism of disease. Based on the available evidence, this variant is classified as Pathogenic.

GeneDx
Classification: Likely pathogenic. Last evaluated: 2019-12-12. Review status: criteria provided, single submitter. Criteria: GeneDx Variant Classification Process June 2021. Collection method: clinical testing. Allele origin: germline. Affected: yes. Not counted in ClinVar's aggregate classification.
Comment: Non-canonical splice site variant demonstrated to result in the insertion of 59 nucleotides, leading to protein truncation or nonsense mediated decay in a gene for which loss-of-function is a known mechanism of disease (Li 1999, Ang 2007); Observed in individuals with a personal or family history consistent with pathogenic variants in this gene (Li 1999, Ang 2007, Lin 2016); Not observed in large population cohorts (Lek 2016); Also known as 561-22_561-13del10 or IVS7-22_IVS7-13del10; This variant is associated with the following publications: (PMID: 26824983, 10323242, 18006916)

Cancer Variant Interpretation Group UK, Institute of Cancer Research, London
Classification: Likely pathogenic for Hereditary Breast and Ovarian Cancer. Last evaluated: 2018-10-31. Review status: criteria provided, single submitter. Criteria: ACMG Guidelines, 2015. Collection method: clinical testing. Allele origin: germline. Affected: yes. Observed: 2 variant alleles. Not counted in ClinVar's aggregate classification.
Comment: Data used in classification: The variant was observed in 2 independent UK families undergoing clinical diagnostic testing. Denominator ~16,600. In the GNOMAD NFE population of 63,369 individuals, the frequency of this variant is 0. exact: p=0.04. (PS4_strong) This variant is reported twice on ClinVar. ii) Ang et al Cancer Epidem Bio and Prev 2007; 16 (11) two affected sisters. In the remainder of the GNOMAD populations (75,263 individuals, including 8624 East Asians), the frequency of this variant is 0 (PM2). Li et al. 1999 Hum Genet 104 201-204: RT-PCR carried out: an insertion of 59 nucleotides mRNA results in frameshift and premature termination codon in exon 8 (historical exon numbering). AND Ang et al Cancer Epidem Bio and Prev 2007; 16 (11): insertion of 59 nucleotides mRNA. However, only single WT control used. (PS3_mod) Data not included in classification: Li et al. 1999 Hum Genet 104 201-204: variant segregates with disease in two 2 case families. In silico analysis predict effect on splicing: Predicted change at acceptor site 13 bps downstream. MaxEnt: -43.6%; NNSPLICE: -65.0% Other information: Wong et al. 2015 (PLOS1).

Department of Pathology and Laboratory Medicine, Sinai Health System
Classification: Likely pathogenic for Familial cancer of breast; Breast-ovarian cancer, familial, susceptibility to, 1; Fanconi anemia, complementation group S. Review status: criteria provided, single submitter. Criteria: ACMG Guidelines, 2015. Collection method: clinical testing. Allele origin: germline. Not counted in ClinVar's aggregate classification.

Literature cited by the submitters: PubMed 10323242 (cited by 3 submitters); PubMed 18006916 (cited by 3 submitters); PubMed 26221963 (cited by Labcorp Genetics (formerly Invitae), Labcorp and Ambry Genetics); PubMed 26824983 (cited by 3 submitters); PubMed 32745242 (cited by Color Diagnostics, LLC DBA Color Health); PubMed 34503154 (cited by Color Diagnostics, LLC DBA Color Health).

NM_007294.4(BRCA1):c.442-22_442-13del

Gene: BRCA1 (BRCA1 DNA repair associated; minus strand). Cytogenetic location: 17q21.31.
Variant type: Deletion.
Coding change: c.442-22_442-13del on transcript NM_007294.4 (MANE Select); 22 bases into the intron before coding-DNA position 442 through 13 bases into the intron before coding-DNA position 442, 10 bases deleted (TGTTCTTTAC; older notation c.442-22_442-13delTGTTCTTTAC).
Molecular consequence: intron variant.
Genome position (GRCh38, 1-based): chr17:43,099,893-43,099,902, GTAAAGAACA deleted on the plus strand (TGTTCTTTAC on the coding strand, the reverse complement: BRCA1 is on the minus strand); deleting any 10 consecutive bases within chr17:43,099,893-43,099,904 gives the same sequence; the c. name uses the placement nearest the transcript's 3' end. VCF-style (leftmost placement, unchanged base first): chr17-43099892-GGTAAAGAACA-G. GRCh37 (hg19) VCF-style: chr17-41251909-GGTAAAGAACA-G.
Other names: c.301-22_301-13del (NM_001408458.1, NM_001407922.1, NM_001408469.1 and 61 more transcripts); c.-218-5042_-218-5033del (NM_001407967.1, NM_001407966.1); c.61-22_61-13del (NM_001407959.1, NM_001408512.1, NM_001408510.1 and 3 more transcripts); c.301-25_301-16del (NM_001407931.1, NM_001407747.1, NM_001408470.1 and 35 more transcripts); c.61-25_61-16del (NM_001407962.1); c.232-22_232-13del (NM_001407885.1, NM_001407886.1, NM_001407881.1 and 37 more transcripts); c.442-25_442-16del (NM_001407686.1, NM_001408397.1, NM_001407632.1 and 65 more transcripts); c.442-22_442-13del (NM_001408436.1, NM_001407665.1, NM_001407980.1 and 96 more transcripts); and 6 more.
Identifiers: ClinVar variation 246362 (VCV000246362.23), dbSNP rs879254224, ClinGen allele CA10584575.